The following is an entry in ClinVar:

NM_000397.4(CYBB):c.809G>A (p.Trp270Ter)

Gene: CYBB (cytochrome b-245 beta chain; plus strand). Cytogenetic location: Xp11.4.
Variant type: single nucleotide variant.
Coding change: c.809G>A on transcript NM_000397.4 (MANE Select); coding-DNA position 809, G replaced by A.
Protein change: p.Trp270Ter; replaces tryptophan 270 with a stop codon.
Molecular consequence: nonsense.
Genome position (GRCh38, 1-based): chrX:37,801,260, G>A. VCF-style: chrX-37801260-G-A. GRCh37 (hg19) VCF-style: chrX-37660513-G-A.
Other names: short protein forms W270*.
Identifiers: ClinVar variation 993603 (VCV000993603.8), dbSNP rs1929431693, ClinGen allele CA412976786.

ClinVar aggregate classification (germline): Pathogenic (1 of 4 stars; one submission).

Submission:

ARUP Laboratories, Molecular Genetics and Genomics, ARUP Laboratories
Classification: Pathogenic. Last evaluated: 2020-08-03. Review status: criteria provided, single submitter. Criteria: ARUP Molecular Germline Variant Investigation Process. Collection method: clinical testing. Allele origin: germline.
Comment: The CYBB c.809G>A; p.Trp270Ter variant, to our knowledge, is not reported in the medical literature or gene-specific databases, although another nonsense variant at the same codon (c.810G>A; p.Trp270Ter) has been reported in two individuals with chronic granulomatous disease (CGD) (Roos 2010). The c.809G>A variant is absent from general population databases (Exome Variant Server, Genome Aggregation Database), indicating it is not a common polymorphism. This variant induces an early termination codon and is predicted to result in a truncated protein or mRNA subject to nonsense-mediated decay. Further, other truncating variants downstream of this variant have been reported in individuals with CGD and are considered disease-causing (Roos 2010). Based on available information, the c.809G>A; p.Trp270Ter variant is considered to be pathogenic. References: Roos D et al. Hematologically important mutations: X-linked chronic granulomatous disease (third update). Blood Cells Mol Dis. 2010;45(3):246-265.